The following is an entry in ClinVar:

ClinVar aggregate classification (germline): Uncertain significance. Review status: criteria provided, multiple submitters, no conflicts (2 of 4 stars). 6 submissions from 6 submitters: Uncertain significance (6). Last evaluated 2024-06-17.

Conditions:
Catecholaminergic polymorphic ventricular tachycardia (CVPT). Also called: Catecholamine-induced polymorphic ventricular tachycardia. Identifiers: Orphanet 3286, MedGen C5574922, MONDO:0017990.
Cardiovascular phenotype. Identifiers: MedGen CN230736.
Catecholaminergic polymorphic ventricular tachycardia 1. Also called: RYR2-Related Catecholaminergic Polymorphic Ventricular Tachycardia; VENTRICULAR TACHYCARDIA, CATECHOLAMINERGIC POLYMORPHIC, 1, WITH OR WITHOUT ATRIAL DYSFUNCTION AND/OR DILATED CARDIOMYOPATHY; VENTRICULAR TACHYCARDIA, STRESS-INDUCED POLYMORPHIC 1. Identifiers: Orphanet 3286, MedGen C1631597, MONDO:0011484, OMIM 604772.
Cardiomyopathy (CMYO). Also called: Cardiomyopathies. Identifiers: Orphanet 167848, MedGen C0878544, MONDO:0004994, HP:0001638. Inheritance: Various modes of inheritance.

Allele frequency attached by ClinVar (database versions not stated): gnomAD 0.00001; gnomAD exomes 0.00001.
gnomAD v4.1: 21 of 1,613,588 alleles (0.0013%); highest among the groups gnomAD compares: Non-Finnish European, 0.0018%; no homozygotes.

Submissions (6):

All of Us Research Program, National Institutes of Health
Classification: Uncertain significance for Catecholaminergic polymorphic ventricular tachycardia. Last evaluated: 2024-06-17. Review status: criteria provided, single submitter. Criteria: ACMG Guidelines, 2015. Collection method: clinical testing. Allele origin: germline. Inheritance: Autosomal dominant inheritance. Observed: 1 variant allele, 1 heterozygote.
Comment: This missense variant replaces aspartic acid with alanine at codon 3457 of the RYR2 protein. Computational prediction suggests that this variant may have deleterious impact on protein structure and function (internally defined REVEL score threshold >= 0.7, PMID: 27666373). Splice site prediction tools suggest that this variant may not impact RNA splicing. To our knowledge, functional studies have not been performed for this variant. This variant has not been reported in individuals affected with cardiovascular disorders in the literature. This variant has been identified in 2/248846 chromosomes in the general population by the Genome Aggregation Database (gnomAD). The available evidence is insufficient to determine the role of this variant in disease conclusively. Therefore, this variant is classified as a Variant of Uncertain Significance.

This study involves interpretation of variants in research participants for the purpose of population health screening. Participant phenotype was not available at the time of variant classification. Additional details can be found in publication PMID: 35346344, PMCID: PMC8962531

Color Diagnostics, LLC DBA Color Health
Classification: Uncertain significance for Cardiomyopathy. Last evaluated: 2024-03-07. Review status: criteria provided, single submitter. Criteria: ACMG Guidelines, 2015. Collection method: clinical testing. Allele origin: germline.
Comment: This missense variant replaces aspartic acid with alanine at codon 3457 of the RYR2 protein. Computational prediction suggests that this variant may have deleterious impact on protein structure and function (internally defined REVEL score threshold >= 0.7, PMID: 27666373). Splice site prediction tools suggest that this variant may not impact RNA splicing. To our knowledge, functional studies have not been performed for this variant. This variant has not been reported in individuals affected with cardiovascular disorders in the literature. This variant has been identified in 2/248846 chromosomes in the general population by the Genome Aggregation Database (gnomAD). The available evidence is insufficient to determine the role of this variant in disease conclusively. Therefore, this variant is classified as a Variant of Uncertain Significance.

Ambry Genetics
Classification: Uncertain significance for Cardiovascular phenotype. Last evaluated: 2023-08-30. Review status: criteria provided, single submitter. Criteria: Ambry Variant Classification Scheme 2023. Collection method: clinical testing. Allele origin: germline.
Comment: The p.D3457A variant (also known as c.10370A>C), located in coding exon 72 of the RYR2 gene, results from an A to C substitution at nucleotide position 10370. The aspartic acid at codon 3457 is replaced by alanine, an amino acid with dissimilar properties. This amino acid position is well conserved in available vertebrate species. In addition, this alteration is predicted to be deleterious by in silico analysis. Since supporting evidence is limited at this time, the clinical significance of this alteration remains unclear.

Blueprint Genetics
Classification: Uncertain significance. Last evaluated: 2022-12-28. Review status: criteria provided, single submitter. Criteria: ACMG Guidelines, 2015. Collection method: clinical testing. Allele origin: germline.

Labcorp Genetics (formerly Invitae), Labcorp
Classification: Uncertain significance for Catecholaminergic polymorphic ventricular tachycardia 1. Last evaluated: 2022-10-17. Review status: criteria provided, single submitter. Criteria: Invitae Variant Classification Sherloc (09022015). Collection method: clinical testing. Allele origin: germline.
Comment: In summary, the available evidence is currently insufficient to determine the role of this variant in disease. Therefore, it has been classified as a Variant of Uncertain Significance. Advanced modeling of protein sequence and biophysical properties (such as structural, functional, and spatial information, amino acid conservation, physicochemical variation, residue mobility, and thermodynamic stability) performed at Invitae indicates that this missense variant is expected to disrupt RYR2 protein function. ClinVar contains an entry for this variant (Variation ID: 626382). This variant has not been reported in the literature in individuals affected with RYR2-related conditions. This variant is present in population databases (rs544496844, gnomAD 0.002%). This sequence change replaces aspartic acid, which is acidic and polar, with alanine, which is neutral and non-polar, at codon 3457 of the RYR2 protein (p.Asp3457Ala).

CHEO Genetics Diagnostic Laboratory, Children's Hospital of Eastern Ontario
Classification: Uncertain significance for Cardiomyopathy. Last evaluated: 2016-01-07. Review status: criteria provided, single submitter. Criteria: ACMG Guidelines, 2015. Collection method: clinical testing. Allele origin: germline. Study: Canadian Open Genetics Repository.

NM_001035.3(RYR2):c.10370A>C (p.Asp3457Ala)

Gene: RYR2 (ryanodine receptor 2; plus strand). Cytogenetic location: 1q43.
Variant type: single nucleotide variant.
Coding change: c.10370A>C on transcript NM_001035.3 (MANE Select); coding-DNA position 10370, A replaced by C.
Protein change: p.Asp3457Ala; replaces aspartic acid 3457 with alanine.
Molecular consequence: missense variant.
Genome position (GRCh38, 1-based): chr1:237,717,244, A>C. VCF-style: chr1-237717244-A-C. GRCh37 (hg19) VCF-style: chr1-237880544-A-C.
Other names: c.10370A>C, p.Asp3457Ala (LRG_402t1); short protein forms D3457A.
Identifiers: ClinVar variation 626382 (VCV000626382.16), dbSNP rs544496844, ClinGen allele CA16622166.